The following is an entry in ClinVar:

ClinVar aggregate classification (germline): Uncertain significance (1 of 4 stars; one submission).

Conditions:
Pityriasis rubra pilaris (PRP). Also called: Pityriasis rubra pilaris--familial type. Identifiers: Orphanet 2897, MedGen C0032027, MONDO:0100017, OMIM 173200, MONDO:0008251.
Psoriasis 2. Identifiers: MedGen C1864497, MONDO:0011269, OMIM 602723.

gnomAD v4.1: 18 of 1,614,160 alleles (0.0011%); highest among the groups gnomAD compares: Non-Finnish European, 0.0014%; no homozygotes.

Submission:

Labcorp Genetics (formerly Invitae), Labcorp
Classification: Uncertain significance for Pityriasis rubra pilaris; Psoriasis 2. Last evaluated: 2026-01-28. Review status: criteria provided, single submitter. Criteria: Invitae Variant Classification Sherloc (09022015). Collection method: clinical testing. Allele origin: germline.
Comment: This sequence change replaces glycine, which is neutral and non-polar, with arginine, which is basic and polar, at codon 105 of the CARD14 protein (p.Gly105Arg). This variant is present in population databases (rs776425179, gnomAD 0.004%). This variant has not been reported in the literature in individuals affected with CARD14-related conditions. Invitae Evidence Modeling of protein sequence and biophysical properties (such as structural, functional, and spatial information, amino acid conservation, physicochemical variation, residue mobility, and thermodynamic stability) has been performed for this missense variant. However, the output from this modeling did not meet the statistical confidence thresholds required to predict the impact of this variant on CARD14 protein function. In summary, the available evidence is currently insufficient to determine the role of this variant in disease. Therefore, it has been classified as a Variant of Uncertain Significance.

NM_001366385.1(CARD14):c.313G>A (p.Gly105Arg)

Gene: CARD14 (caspase recruitment domain family member 14; plus strand). Cytogenetic location: 17q25.3.
Variant type: single nucleotide variant.
Coding change: c.313G>A on transcript NM_001366385.1 (MANE Select); coding-DNA position 313, G replaced by A.
Protein change: p.Gly105Arg; replaces glycine 105 with arginine.
Molecular consequence: missense variant. On other transcripts: non-coding transcript variant (1).
Genome position (GRCh38, 1-based): chr17:80,182,754, G>A. VCF-style: chr17-80182754-G-A. GRCh37 (hg19) VCF-style: chr17-78156553-G-A.
Other names: c.313G>A, p.Gly105Arg (NM_001257970.1, NM_024110.4); short protein forms G105R.
Identifiers: ClinVar variation 4791128 (VCV004791128.1).